The following is an entry in ClinVar:

NM_022454.4(SOX17):c.749C>T (p.Thr250Ile)

Gene: SOX17 (SRY-box transcription factor 17; plus strand). Cytogenetic location: 8q11.23.
Variant type: single nucleotide variant.
Coding change: c.749C>T on transcript NM_022454.4 (MANE Select); coding-DNA position 749, C replaced by T.
Protein change: p.Thr250Ile; replaces threonine 250 with isoleucine.
Molecular consequence: missense variant.
Genome position (GRCh38, 1-based): chr8:54,459,499, C>T. VCF-style: chr8-54459499-C-T. GRCh37 (hg19) VCF-style: chr8-55372059-C-T.
Other names: short protein forms T250I.
Identifiers: ClinVar variation 3008244 (VCV003008244.3), dbSNP rs756667386, ClinGen allele CA4750967.

ClinVar aggregate classification (germline): Uncertain significance (1 of 4 stars; one submission).

Allele frequency attached by ClinVar (database versions not stated): TOPMed below 0.00001; gnomAD 0.00001.

Submission:

Labcorp Genetics (formerly Invitae), Labcorp
Classification: Uncertain significance. Last evaluated: 2024-05-16. Review status: criteria provided, single submitter. Criteria: Invitae Variant Classification Sherloc (09022015). Collection method: clinical testing. Allele origin: germline.
Comment: This sequence change replaces threonine, which is neutral and polar, with isoleucine, which is neutral and non-polar, at codon 250 of the SOX17 protein (p.Thr250Ile). This variant is not present in population databases (gnomAD no frequency). This variant has not been reported in the literature in individuals affected with SOX17-related conditions. Advanced modeling of protein sequence and biophysical properties (such as structural, functional, and spatial information, amino acid conservation, physicochemical variation, residue mobility, and thermodynamic stability) performed at Invitae indicates that this missense variant is not expected to disrupt SOX17 protein function with a negative predictive value of 80%. In summary, the available evidence is currently insufficient to determine the role of this variant in disease. Therefore, it has been classified as a Variant of Uncertain Significance.